The following is an entry in ClinVar:

NM_001366145.2(TRPM3):c.690T>C (p.His230=)

Gene: TRPM3 (transient receptor potential cation channel subfamily M member 3; minus strand). Cytogenetic location: 9q21.12.
Variant type: single nucleotide variant.
Coding change: c.690T>C on transcript NM_001366145.2 (MANE Select); coding-DNA position 690, T replaced by C.
Protein change: p.His230=; no amino-acid change (histidine 230 retained).
Molecular consequence: synonymous variant.
Genome position (GRCh38, 1-based): chr9:70,843,114, A>G on the plus strand (T>C on the coding strand, the complement: TRPM3 is on the minus strand). VCF-style: chr9-70843114-A-G. GRCh37 (hg19) VCF-style: chr9-73458030-A-G.
Other names: c.231T>C, p.His77= (NM_001007470.3, NM_001366154.2, NM_020952.6 and 6 more transcripts); c.690T>C, p.His230= (NM_001007471.4, NM_001366146.2, NM_001366147.2 and 6 more transcripts); c.696T>C, p.His232= (NM_001366141.2, NM_001366142.2, NM_001366143.2 and 1 more transcripts).
Identifiers: ClinVar variation 4084414 (VCV004084414.8).
Genomic context (GRCh38, chr9:70,843,114, plus strand): 5'-ACCTATGGTGCATATCTTTCCTCGAGACTTAGAGGCATGATCCTTCAAGGCATCGCCAAC[A>G]TGACGAATAACACCTAAAAAAAAAAGAGAAGCATTGATTTTTTCTTTTAAAGCAAATACC-3'
Protein context (NP_001353074.1, residues 220-240): TGGVNTGVIR[His230=]VGDALKDHAS

ClinVar aggregate classification (germline): Likely benign (1 of 4 stars; one submission).

gnomAD v4.1: 95 of 1,584,092 alleles (0.006%); highest among the groups gnomAD compares: South Asian, 0.1%; no homozygotes.

Submission:

CeGaT Center for Human Genetics Tuebingen
Classification: Likely benign. Last evaluated: 2025-07-01. Review status: criteria provided, single submitter. Criteria: CeGaT Center For Human Genetics Tuebingen Variant Classification Criteria Version 2. Collection method: clinical testing. Allele origin: germline. Affected: yes. Observed: 1 variant allele.
Comment: TRPM3: BP4, BP7